The following is an entry in ClinVar:

ClinVar aggregate classification (germline): Uncertain significance (1 of 4 stars; one submission).

Conditions:
Neurooculorenal syndrome (NORS). Identifiers: MedGen C5830377, MONDO:0957210, OMIM 620305.

gnomAD v4.1: 1 of 1,606,152 alleles (0.000062%); no homozygotes.

Submission:

Juno Genomics, Hangzhou Juno Genomics, Inc
Classification: Uncertain significance for Neurooculorenal syndrome. Review status: criteria provided, single submitter. Criteria: ACMG Guidelines, 2015. Collection method: clinical testing. Allele origin: germline.
Comment: Absent from controls (or at extremely low frequency if recessive) in Genome Aggregation Database.;Multiple lines of computational evidence support a deleterious effect on the gene or gene product.

NM_002941.4(ROBO1):c.2856A>G (p.Gly952=)

Gene: ROBO1 (roundabout guidance receptor 1; minus strand). Cytogenetic location: 3p12.3.
Variant type: single nucleotide variant.
Coding change: c.2856A>G on transcript NM_002941.4 (MANE Select); coding-DNA position 2856, A replaced by G.
Protein change: p.Gly952=; no amino-acid change (glycine 952 retained).
Molecular consequence: synonymous variant.
Genome position (GRCh38, 1-based): chr3:78,646,174, T>C on the plus strand (A>G on the coding strand, the complement: ROBO1 is on the minus strand). VCF-style: chr3-78646174-T-C. GRCh37 (hg19) VCF-style: chr3-78695324-T-C.
Other names: c.2721A>G, p.Gly907= (NM_001145845.2, NM_133631.4).
Identifiers: ClinVar variation 5006697 (VCV005006697.2).
Genomic context (GRCh38, chr3:78,646,174, plus strand): 5'-CCTGTAGGATCTACAAAACAAGCAAGATAATTACCTCCCTCCACTGCTGACAGCTTCGCC[T>C]CCTCTCTGGTAAGTTACTAGAATGTTACGAAAAAAAAAAGGAACAATTAATAGACATATT-3'
Protein context (NP_002932.1, residues 942-962): TFTPTVTYQR[Gly952=]GEAVSSGGRP